The following is an entry in ClinVar:

NM_017780.4(CHD7):c.6088G>A (p.Val2030Ile)

Gene: CHD7 (chromodomain helicase DNA binding protein 7; plus strand). Cytogenetic location: 8q12.2.
Variant type: single nucleotide variant.
Coding change: c.6088G>A on transcript NM_017780.4 (MANE Select); coding-DNA position 6088, G replaced by A.
Protein change: p.Val2030Ile; replaces valine 2030 with isoleucine.
Molecular consequence: missense variant. On other transcripts: intron variant (1).
Genome position (GRCh38, 1-based): chr8:60,852,691, G>A. VCF-style: chr8-60852691-G-A. GRCh37 (hg19) VCF-style: chr8-61765250-G-A.
Other names: c.1717-9538G>A (NM_001316690.1); short protein forms V2030I.
Identifiers: ClinVar variation 800492 (VCV000800492.10), dbSNP rs143796440, ClinGen allele CA4760515.

ClinVar aggregate classification (germline): Conflicting classifications of pathogenicity. Review status: criteria provided, conflicting classifications (1 of 4 stars). 5 submissions from 5 submitters: Uncertain significance (4); Likely benign (1). Last evaluated 2026-07-31.

Conditions:
CHD7-related disorder. Also called: CHD7-related condition.
Inborn genetic diseases. Identifiers: MedGen C0950123, MeSH D030342.
CHARGE syndrome (CHARGE). Also called: Hittner Hirsch Kreh syndrome; CHARGE ASSOCIATION--COLOBOMA, HEART ANOMALY, CHOANAL ATRESIA, RETARDATION, GENITAL AND EAR ANOMALIES; Coloboma, heart anomaly, choanal atresia, retardation, genital and ear anomalies; CHARGE association; Hall-Hittner syndrome. Identifiers: Orphanet 138, MedGen C0265354, MONDO:0008965.
Hypogonadotropic hypogonadism 5 with or without anosmia (KAL5). Also called: HYPOGONADOTROPIC HYPOGONADISM 5 WITH ANOSMIA; HYPOGONADOTROPHIC HYPOGONADISM 5 WITHOUT ANOSMIA; CHD7-Related GnRH Deficiency (Kallmann Syndrome 5). Identifiers: Orphanet 478, MedGen C3552553, MONDO:0012880, OMIM 612370. Disease mechanism: loss of function.
Familial atrioventricular septal defect. Also called: AVC DEFECT. Identifiers: Orphanet 98722, MedGen CN029142, MONDO:0020290.

Allele frequency attached by ClinVar (database versions not stated): ExAC 0.00002; gnomAD exomes 0.00002; gnomAD 0.00004 and 0.00005; TOPMed 0.00006; ESP Exome Variant Server 0.00008; 1000 Genomes Project 30x 0.00031; 1000 Genomes Project 0.00040.
gnomAD v4.1: 58 of 1,613,836 alleles (0.0036%); highest among the groups gnomAD compares: African/African-American, 0.0093%; no homozygotes.

Submissions (5):

PreventionGenetics, part of Exact Sciences
Classification: Uncertain significance for CHD7-related condition. Last evaluated: 2026-07-31. Review status: criteria provided, single submitter. Criteria: ACMG Guidelines, 2015. Collection method: clinical testing. Allele origin: germline.
Comment: The CHD7 c.6088G>A variant is predicted to result in the amino acid substitution p.Val2030Ile. To our knowledge, this variant has not been reported in the literature. This variant is reported in 0.0053% of alleles in individuals of European (Non-Finnish) descent in gnomAD. At this time, the clinical significance of this variant is uncertain due to the absence of conclusive functional and genetic evidence.

Labcorp Genetics (formerly Invitae), Labcorp
Classification: Likely benign for CHARGE syndrome. Last evaluated: 2025-05-25. Review status: criteria provided, single submitter. Criteria: Invitae Variant Classification Sherloc (09022015). Collection method: clinical testing. Allele origin: germline.

Fulgent Genetics
Classification: Uncertain significance for CHD7-related CHARGE syndrome; Hypogonadotropic hypogonadism 5 with or without anosmia. Last evaluated: 2022-04-14. Review status: criteria provided, single submitter. Criteria: ACMG Guidelines, 2015. Collection method: clinical testing. Allele origin: unknown.

Clinical Molecular Genetics Laboratory, Johns Hopkins All Children's Hospital
Classification: Uncertain significance for Atrioventricular canal defect. Last evaluated: 2019-12-09. Review status: criteria provided, single submitter. Criteria: ACMG Guidelines, 2015. Collection method: clinical testing. Allele origin: germline. Inheritance: Autosomal dominant inheritance. Affected: yes. Observed: 1 heterozygote.

Ambry Genetics
Classification: Uncertain significance for Inborn genetic diseases. Last evaluated: 2018-06-04. Review status: criteria provided, single submitter. Criteria: Ambry Variant Classification Scheme 2023. Collection method: clinical testing. Allele origin: germline.
Comment: The p.V2030I variant (also known as c.6088G>A), located in coding exon 29 of the CHD7 gene, results from a G to A substitution at nucleotide position 6088. The valine at codon 2030 is replaced by isoleucine, an amino acid with highly similar properties. This amino acid position is poorly conserved in available vertebrate species. In addition, this alteration is predicted to be tolerated by in silico analysis. Since supporting evidence is limited at this time, the clinical significance of this alteration remains unclear.